The following is an entry in ClinVar:

ClinVar aggregate classification (germline): Uncertain significance (1 of 4 stars; one submission).

Allele frequency attached by ClinVar (database versions not stated): gnomAD exomes below 0.00001.
gnomAD v4.1: 5 of 1,589,682 alleles (0.00031%); highest among the groups gnomAD compares: East Asian, 0.0023%; no homozygotes.

Submission:

Labcorp Genetics (formerly Invitae), Labcorp
Classification: Uncertain significance. Last evaluated: 2023-08-10. Review status: criteria provided, single submitter. Criteria: Invitae Variant Classification Sherloc (09022015). Collection method: clinical testing. Allele origin: germline.
Comment: This sequence change falls in intron 5 of the GABRA2 gene. It does not directly change the encoded amino acid sequence of the GABRA2 protein. It affects a nucleotide within the consensus splice site. This variant is present in population databases (no rsID available, gnomAD 0.006%). This variant has not been reported in the literature in individuals affected with GABRA2-related conditions. Variants that disrupt the consensus splice site are a relatively common cause of aberrant splicing (PMID: 17576681, 9536098). Algorithms developed to predict the effect of sequence changes on RNA splicing suggest that this variant is not likely to affect RNA splicing. In summary, the available evidence is currently insufficient to determine the role of this variant in disease. Therefore, it has been classified as a Variant of Uncertain Significance.

Literature cited by the submitters: PubMed 17576681; PubMed 9536098.

NM_000807.4(GABRA2):c.476+5G>A

Gene: GABRA2 (gamma-aminobutyric acid type A receptor subunit alpha2; minus strand). Cytogenetic location: 4p12.
Variant type: single nucleotide variant.
Coding change: c.476+5G>A on transcript NM_000807.4 (MANE Select); 5 bases into the intron after coding-DNA position 476, G replaced by A.
Molecular consequence: intron variant.
Genome position (GRCh38, 1-based): chr4:46,312,491, C>T on the plus strand (G>A on the coding strand, the complement: GABRA2 is on the minus strand). VCF-style: chr4-46312491-C-T. GRCh37 (hg19) VCF-style: chr4-46314508-C-T.
Other names: c.311+5G>A (NM_001377154.1, NM_001377152.1, NM_001286827.3 and 1 more transcripts); c.476+5G>A (NM_001377146.1, NM_001377145.1, NM_001377144.1 and 8 more transcripts).
Identifiers: ClinVar variation 2783521 (VCV002783521.3), dbSNP rs1204775033, ClinGen allele CA551265137.